The following is an entry in ClinVar:

ClinVar aggregate classification (germline): Likely benign. Review status: criteria provided, multiple submitters, no conflicts (2 of 4 stars). 2 submissions from 2 submitters: Likely benign (2). Last evaluated 2026-02-25.

Allele frequency attached by ClinVar (database versions not stated): ExAC 0.00003; gnomAD 0.00004 and 0.00005; gnomAD exomes 0.00004 and 0.00005; ESP Exome Variant Server 0.00008; TOPMed 0.00009.
gnomAD v4.1: 84 of 1,611,186 alleles (0.0052%); highest among the groups gnomAD compares: Non-Finnish European, 0.0068%; no homozygotes.

Submissions (2):

Women's Health and Genetics/Laboratory Corporation of America, LabCorp
Classification: Likely benign. Last evaluated: 2026-02-25. Review status: criteria provided, single submitter. Criteria: LabCorp Variant Classification Summary - May 2015. Collection method: clinical testing. Allele origin: germline.
Comment: Variant summary: CNTNAP1 c.3475-9C>G alters a nucleotide located at a position not widely known to affect splicing. Consensus agreement among computation tools predict no significant impact on normal splicing. However, these predictions have yet to be confirmed by functional studies. The variant allele was found at a frequency of 4e-05 in 250894 control chromosomes. This frequency is not significantly higher than estimated for disease-causing variants in CNTNAP1, allowing no conclusion about variant significance. To our knowledge, no occurrence of c.3475-9C>G in individuals affected with CNTNAP1-related conditions and no experimental evidence demonstrating its impact on protein function have been reported. ClinVar contains an entry for this variant (Variation ID: 1433985). Based on the evidence outlined above, the variant was classified as likely benign.

Labcorp Genetics (formerly Invitae), Labcorp
Classification: Likely benign. Last evaluated: 2026-01-27. Review status: criteria provided, single submitter. Criteria: Invitae Variant Classification Sherloc (09022015). Collection method: clinical testing. Allele origin: germline.

NM_003632.3(CNTNAP1):c.3475-9C>G

Gene: CNTNAP1 (contactin associated protein 1; plus strand). Cytogenetic location: 17q21.2.
Variant type: single nucleotide variant.
Coding change: c.3475-9C>G on transcript NM_003632.3 (MANE Select); 9 bases into the intron before coding-DNA position 3475, C replaced by G.
Molecular consequence: intron variant.
Genome position (GRCh38, 1-based): chr17:42,697,265, C>G. VCF-style: chr17-42697265-C-G. GRCh37 (hg19) VCF-style: chr17-40849283-C-G.
Identifiers: ClinVar variation 1433985 (VCV001433985.7), dbSNP rs371416119, ClinGen allele CA8582353.